The following is an entry in ClinVar:

NM_001365536.1(SCN9A):c.3130G>T (p.Ala1044Ser)

Genes: SCN1A-AS1 (SCN1A and SCN9A antisense RNA 1; plus strand), SCN9A (sodium voltage-gated channel alpha subunit 9; minus strand). Cytogenetic location: 2q24.3.
Variant type: single nucleotide variant.
Coding change: c.3130G>T on transcript NM_001365536.1 (MANE Select); coding-DNA position 3130, G replaced by T.
Protein change: p.Ala1044Ser; replaces alanine 1044 with serine.
Molecular consequence: missense variant.
Genome position (GRCh38, 1-based): chr2:166,272,620, C>A on the plus strand (G>T on the coding strand, the complement: SCN9A is on the minus strand). VCF-style: chr2-166272620-C-A. GRCh37 (hg19) VCF-style: chr2-167129130-C-A.
Other names: c.3097G>T, p.Ala1033Ser (NM_002977.4); short protein forms A1044S, A1033S.
Identifiers: ClinVar variation 3951013 (VCV003951013.2).

ClinVar aggregate classification (germline): Uncertain significance. Review status: criteria provided, multiple submitters, no conflicts (2 of 4 stars). 2 submissions from 2 submitters: Uncertain significance (2). Last evaluated 2025-06-10.

Conditions:
Inborn genetic diseases. Identifiers: MedGen C0950123, MeSH D030342.
Neuropathy, hereditary sensory and autonomic, type 2A (HSAN2A). Also called: ACROOSTEOLYSIS, GIACCAI TYPE; ACROOSTEOLYSIS, NEUROGENIC; HSAN IIA; MORVAN DISEASE; NEUROPATHY, CONGENITAL SENSORY; NEUROPATHY, HEREDITARY SENSORY RADICULAR, AUTOSOMAL RECESSIVE. Identifiers: Orphanet 970, MedGen C2752089, MONDO:0024309, OMIM 201300.
Generalized epilepsy with febrile seizures plus, type 7 (GEFSP7). Also called: GEFS+, TYPE 7. Identifiers: Orphanet 36387, MedGen C2751778, MONDO:0013470, OMIM 613863.

Submissions (2):

Ambry Genetics
Classification: Uncertain significance for Inborn genetic diseases. Last evaluated: 2025-06-10. Review status: criteria provided, single submitter. Criteria: Ambry Variant Classification Scheme 2023. Collection method: clinical testing. Allele origin: germline.

Labcorp Genetics (formerly Invitae), Labcorp
Classification: Uncertain significance for Neuropathy, hereditary sensory and autonomic, type 2A; Generalized epilepsy with febrile seizures plus, type 7. Last evaluated: 2025-02-12. Review status: criteria provided, single submitter. Criteria: Invitae Variant Classification Sherloc (09022015). Collection method: clinical testing. Allele origin: germline.
Comment: This sequence change replaces alanine, which is neutral and non-polar, with serine, which is neutral and polar, at codon 1033 of the SCN9A protein (p.Ala1033Ser). This variant is not present in population databases (gnomAD no frequency). This variant has not been reported in the literature in individuals affected with SCN9A-related conditions. Invitae Evidence Modeling of protein sequence and biophysical properties (such as structural, functional, and spatial information, amino acid conservation, physicochemical variation, residue mobility, and thermodynamic stability) indicates that this missense variant is not expected to disrupt SCN9A protein function with a negative predictive value of 95%. In summary, the available evidence is currently insufficient to determine the role of this variant in disease. Therefore, it has been classified as a Variant of Uncertain Significance.